The following is an entry in ClinVar:

NM_001258392.3(CLPB):c.230G>C (p.Arg77Pro)

Genes: CLPB (ClpB family mitochondrial disaggregase; minus strand), LOC130006336 (ATAC-STARR-seq lymphoblastoid active region 5191; plus strand). Cytogenetic location: 11q13.4.
Variant type: single nucleotide variant.
Coding change: c.230G>C on transcript NM_001258392.3 (MANE Select); coding-DNA position 230, G replaced by C.
Protein change: p.Arg77Pro; replaces arginine 77 with proline.
Molecular consequence: missense variant. On other transcripts: 5 prime UTR variant (1).
Genome position (GRCh38, 1-based): chr11:72,434,245, C>G on the plus strand (G>C on the coding strand, the complement: CLPB is on the minus strand). VCF-style: chr11-72434245-C-G. GRCh37 (hg19) VCF-style: chr11-72145289-C-G.
Other names: c.230G>C, p.Arg77Pro (NM_001258393.3, NM_030813.6); c.-13G>C (NM_001258394.3); short protein forms R77P.
Identifiers: ClinVar variation 2733125 (VCV002733125.3), dbSNP rs111470284, ClinGen allele CA224518518.

ClinVar aggregate classification (germline): Uncertain significance (1 of 4 stars; one submission).

Conditions:
3-methylglutaconic aciduria, type VIIB (MGCA7B). Also called: CLPB Deficiency; 3-methylglutaconic aciduria, type VII, with cataracts, neurologic involvement and neutropenia; 3-methylglutaconic aciduria with cataracts, neurologic involvement and neutropenia. Identifiers: Orphanet 445038, MedGen C5676893, MONDO:0014561, OMIM 616271.

Submission:

Labcorp Genetics (formerly Invitae), Labcorp
Classification: Uncertain significance for 3-methylglutaconic aciduria, type VIIB. Last evaluated: 2023-08-02. Review status: criteria provided, single submitter. Criteria: Invitae Variant Classification Sherloc (09022015). Collection method: clinical testing. Allele origin: germline.
Comment: In summary, the available evidence is currently insufficient to determine the role of this variant in disease. Therefore, it has been classified as a Variant of Uncertain Significance. An algorithm developed to predict the effect of missense changes on protein structure and function (PolyPhen-2) suggests that this variant is likely to be tolerated. This variant has not been reported in the literature in individuals affected with CLPB-related conditions. This variant is not present in population databases (gnomAD no frequency). This sequence change replaces arginine, which is basic and polar, with proline, which is neutral and non-polar, at codon 77 of the CLPB protein (p.Arg77Pro).